The following is an entry in ClinVar:

NM_005751.5(AKAP9):c.7977_7978del (p.Lys2660fs)

Gene: AKAP9 (A-kinase anchoring protein 9; plus strand). Cytogenetic location: 7q21.2.
Variant type: Microsatellite.
Coding change: c.7977_7978del on transcript NM_005751.5 (MANE Select); coding-DNA positions 7977 to 7978, 2 bases deleted (GA; older notation c.7977_7978delGA).
Protein change: p.Lys2660fs; shifts the reading frame from lysine 2660.
Molecular consequence: frameshift variant.
Genome position (GRCh38, 1-based): chr7:92,080,110-92,080,111, GA deleted; deleting any 2 consecutive bases within chr7:92,080,103-92,080,111 gives the same sequence; the c. name uses the placement nearest the transcript's 3' end. VCF-style (leftmost placement, unchanged base first): chr7-92080102-CAG-C. GRCh37 (hg19) VCF-style: chr7-91709416-CAG-C.
Other names: c.2622_2623del, p.Lys875fs (NM_001379277.1); c.7971_7972GA[3], p.Lys2660Argfs (NM_005751.4); c.7953_7954del, p.Lys2652fs (NM_147185.3); c.7977_7978delGA (NM_005751.4); short protein forms K2652fs, K2660fs, K875fs.
Identifiers: ClinVar variation 1761437 (VCV001761437.2), dbSNP rs747994062, ClinGen allele CA4337367.

ClinVar aggregate classification (germline): Uncertain significance (1 of 4 stars; one submission).

Conditions:
Cardiovascular phenotype. Identifiers: MedGen CN230736.

Submission:

Ambry Genetics
Classification: Uncertain significance for Cardiovascular phenotype. Last evaluated: 2020-10-08. Review status: criteria provided, single submitter. Criteria: Ambry Variant Classification Scheme 2023. Collection method: clinical testing. Allele origin: germline.
Comment: The c.7977_7978delGA variant, located in coding exon 31 of the AKAP9 gene, results from a deletion of two nucleotides at nucleotide positions 7977 to 7978, causing a translational frameshift with a predicted alternate stop codon (p.K2660Rfs*10). This alteration is expected to result in premature protein truncation or nonsense-mediated mRNA decay. However, loss of function of AKAP9 has not been clearly established as a mechanism of disease. Since supporting evidence is limited at this time, the clinical significance of this alteration remains unclear.